The following is an entry in ClinVar:

NM_000138.5(FBN1):c.1924G>A (p.Gly642Arg)

Gene: FBN1 (fibrillin 1; minus strand). Cytogenetic location: 15q21.1.
Variant type: single nucleotide variant.
Coding change: c.1924G>A on transcript NM_000138.5 (MANE Select); coding-DNA position 1924, G replaced by A.
Protein change: p.Gly642Arg; replaces glycine 642 with arginine.
Molecular consequence: missense variant.
Genome position (GRCh38, 1-based): chr15:48,505,061, C>T on the plus strand (G>A on the coding strand, the complement: FBN1 is on the minus strand). VCF-style: chr15-48505061-C-T. GRCh37 (hg19) VCF-style: chr15-48797258-C-T.
Other names: c.1924G>A, p.Gly642Arg (NM_001406716.1); short protein forms G642R.
Identifiers: ClinVar variation 2628403 (VCV002628403.1), dbSNP rs2505594807, ClinGen allele CA392339026.

ClinVar aggregate classification (germline): Uncertain significance (1 of 4 stars; one submission).

Conditions:
FBN1-related disorder. Also called: FBN1-related disorders.

Allele frequency attached by ClinVar (database versions not stated): gnomAD exomes below 0.00001.
gnomAD v4.1: 1 of 1,614,196 alleles (0.000062%); highest among the groups gnomAD compares: Non-Finnish European, 0.000085%; no homozygotes.

Submission:

PreventionGenetics, part of Exact Sciences
Classification: Uncertain significance for FBN1-related condition. Last evaluated: 2022-09-23. Review status: criteria provided, single submitter. Criteria: ACMG Guidelines, 2015. Collection method: clinical testing. Allele origin: germline.
Comment: The FBN1 c.1924G>A variant is predicted to result in the amino acid substitution p.Gly642Arg. To our knowledge, this variant has not been reported in the literature or in a large population database, indicating this variant is rare. At this time, the clinical significance of this variant is uncertain due to the absence of conclusive functional and genetic evidence.